The following is an entry in ClinVar:

NM_000661.5(RPL9):c.7A>G (p.Thr3Ala)

Gene: RPL9 (ribosomal protein L9; minus strand). Cytogenetic location: 4p14.
Variant type: single nucleotide variant.
Coding change: c.7A>G on transcript NM_000661.5 (MANE Select); coding-DNA position 7, A replaced by G.
Protein change: p.Thr3Ala; replaces threonine 3 with alanine.
Molecular consequence: missense variant.
Genome position (GRCh38, 1-based): chr4:39,458,433, T>C on the plus strand (A>G on the coding strand, the complement: RPL9 is on the minus strand). VCF-style: chr4-39458433-T-C. GRCh37 (hg19) VCF-style: chr4-39460053-T-C.
Other names: c.7A>G, p.Thr3Ala (NM_001024921.4); short protein forms T3A.
Identifiers: ClinVar variation 4699158 (VCV004699158.1).
Genomic context (GRCh38, chr4:39,458,433, plus strand): 5'-AAAAGACATCAAGTCTCATACCATTTTCTGGAATGTCGACAGTCTGATTGCTGAGAATAG[T>C]CTTCATTCTGAAACACAAACACTGGGGGTGAGGCCGACGCAAGGCCCGTTTTTCCACCAA-3'
Protein context (NP_000652.2, residues 1-13): MK[Thr3Ala]ILSNQTVDIP

ClinVar aggregate classification (germline): Uncertain significance (1 of 4 stars; one submission).

gnomAD v4.1: 6 of 1,614,102 alleles (0.00037%); highest among the groups gnomAD compares: Non-Finnish European, 0.00051%; no homozygotes.

Submission:

Labcorp Genetics (formerly Invitae), Labcorp
Classification: Uncertain significance. Last evaluated: 2025-09-15. Review status: criteria provided, single submitter. Criteria: Invitae Variant Classification Sherloc (09022015). Collection method: clinical testing. Allele origin: germline.
Comment: This sequence change replaces threonine, which is neutral and polar, with alanine, which is neutral and non-polar, at codon 3 of the RPL9 protein (p.Thr3Ala). This variant is present in population databases (rs772694918, gnomAD 0.0009%). This variant has not been reported in the literature in individuals affected with RPL9-related conditions. An algorithm developed to predict the effect of missense changes on protein structure and function (PolyPhen-2) suggests that this variant is likely to be tolerated. In summary, the available evidence is currently insufficient to determine the role of this variant in disease. Therefore, it has been classified as a Variant of Uncertain Significance.